The following is an entry in ClinVar:

NM_001378454.1(ALMS1):c.9976G>A (p.Ala3326Thr)

Gene: ALMS1 (ALMS1 centrosome and basal body associated protein; plus strand). Cytogenetic location: 2p13.1.
Variant type: single nucleotide variant.
Coding change: c.9976G>A on transcript NM_001378454.1 (MANE Select); coding-DNA position 9976, G replaced by A.
Protein change: p.Ala3326Thr; replaces alanine 3326 with threonine.
Molecular consequence: missense variant.
Genome position (GRCh38, 1-based): chr2:73,550,335, G>A. VCF-style: chr2-73550335-G-A. GRCh37 (hg19) VCF-style: chr2-73777462-G-A.
Other names: c.9979G>A, p.Ala3327Thr (NM_015120.4); short protein forms A3326T, A3327T.
Identifiers: ClinVar variation 1015203 (VCV001015203.3), dbSNP rs201213079, ClinGen allele CA347271842.

ClinVar aggregate classification (germline): Uncertain significance (1 of 4 stars; one submission).

Conditions:
Alstrom syndrome (ALMS). Identifiers: Orphanet 64, MedGen C0268425, MONDO:0008763, OMIM 203800.

gnomAD v4.1: 2 of 1,614,138 alleles (0.00012%); no homozygotes.

Submission:

Labcorp Genetics (formerly Invitae), Labcorp
Classification: Uncertain significance for Alstrom syndrome. Last evaluated: 2023-08-10. Review status: criteria provided, single submitter. Criteria: Invitae Variant Classification Sherloc (09022015). Collection method: clinical testing. Allele origin: germline.
Comment: This sequence change replaces alanine, which is neutral and non-polar, with threonine, which is neutral and polar, at codon 3327 of the ALMS1 protein (p.Ala3327Thr). This variant is not present in population databases (gnomAD no frequency). This variant has not been reported in the literature in individuals affected with ALMS1-related conditions. ClinVar contains an entry for this variant (Variation ID: 1015203). Experimental studies and prediction algorithms are not available or were not evaluated, and the functional significance of this variant is currently unknown. In summary, the available evidence is currently insufficient to determine the role of this variant in disease. Therefore, it has been classified as a Variant of Uncertain Significance.